The following is an entry in ClinVar:

NM_020778.5(ALPK3):c.707C>G (p.Ser236Trp)

Gene: ALPK3 (alpha kinase 3; plus strand). Cytogenetic location: 15q25.3.
Variant type: single nucleotide variant.
Coding change: c.707C>G on transcript NM_020778.5 (MANE Select); coding-DNA position 707, C replaced by G.
Protein change: p.Ser236Trp; replaces serine 236 with tryptophan.
Molecular consequence: missense variant.
Genome position (GRCh38, 1-based): chr15:84,839,986, C>G. VCF-style: chr15-84839986-C-G. GRCh37 (hg19) VCF-style: chr15-85383217-C-G.
Other names: short protein forms S236W.
Identifiers: ClinVar variation 2011374 (VCV002011374.4), dbSNP rs1490026067, ClinGen allele CA393373341.
Genomic context (GRCh38, chr15:84,839,986, plus strand): 5'-TCAGCCCCGACCGCTTCCAGCGAAAGCGGCGATTGAGCGGGGCTCAAGCGCCGGGCCCCT[C>G]GGTCCCTACCAGGGAGCCTGAGGGTGGGACCCTGGCGGCTTGGCAGGAGGGAGAGACTGA-3'
Protein context (NP_065829.4, residues 226-246): RLSGAQAPGP[Ser236Trp]VPTREPEGGT

ClinVar aggregate classification (germline): Uncertain significance (1 of 4 stars; one submission).

gnomAD v4.1: 5 of 1,612,826 alleles (0.00031%); highest among the groups gnomAD compares: East Asian, 0.0022%; no homozygotes.

Submission:

Labcorp Genetics (formerly Invitae), Labcorp
Classification: Uncertain significance. Last evaluated: 2024-07-08. Review status: criteria provided, single submitter. Criteria: Invitae Variant Classification Sherloc (09022015). Collection method: clinical testing. Allele origin: germline.
Comment: This sequence change replaces serine, which is neutral and polar, with tryptophan, which is neutral and slightly polar, at codon 438 of the ALPK3 protein (p.Ser438Trp). This variant is present in population databases (no rsID available, gnomAD 0.002%). This variant has not been reported in the literature in individuals affected with ALPK3-related conditions. ClinVar contains an entry for this variant (Variation ID: 2011374). An algorithm developed to predict the effect of missense changes on protein structure and function (PolyPhen-2) suggests that this variant is likely to be disruptive. In summary, the available evidence is currently insufficient to determine the role of this variant in disease. Therefore, it has been classified as a Variant of Uncertain Significance.